The following is an entry in ClinVar:

ClinVar aggregate classification (germline): Uncertain significance (1 of 4 stars; one submission).

Conditions:
Fanconi anemia complementation group D2. Also called: FANCD2-Related Fanconi Anemia; FANCONI PANCYTOPENIA, TYPE 4; FANCONI ANEMIA, COMPLEMENTATION GROUP D. Identifiers: Orphanet 84, MedGen C3160738, MONDO:0009214, OMIM 227646.

Submission:

St. Jude Molecular Pathology, St. Jude Children's Research Hospital
Classification: Uncertain significance for Fanconi anemia complementation group D2. Last evaluated: 2023-09-22. Review status: criteria provided, single submitter. Criteria: St. Jude Assertion Criteria 2020. Collection method: clinical testing. Allele origin: germline.
Comment: The FANCD2 c.1223G>T (p.Arg408Leu) missense change is absent in gnomAD v2.1.1. The in silico tool REVEL predicts a benign effect on protein function, but to our knowledge this prediction has not been confirmed by functional studies. To our knowledge, this variant has not been reported in individuals with Fanconi anemia. In summary, the evidence currently available is insufficient to determine the clinical significance of this variant. It has therefore been classified as of uncertain significance.

NM_001018115.3(FANCD2):c.1223G>T (p.Arg408Leu)

Genes: FANCD2 (FA complementation group D2; plus strand), LOC107303338 (3p25 FANCD2 Alu-mediated recombination region; plus strand). Cytogenetic location: 3p25.3.
Variant type: single nucleotide variant.
Coding change: c.1223G>T on transcript NM_001018115.3 (MANE Select); coding-DNA position 1223, G replaced by T.
Protein change: p.Arg408Leu; replaces arginine 408 with leucine.
Molecular consequence: missense variant.
Genome position (GRCh38, 1-based): chr3:10,046,668, G>T. VCF-style: chr3-10046668-G-T. GRCh37 (hg19) VCF-style: chr3-10088352-G-T.
Other names: c.1223G>T, p.Arg408Leu (NM_001319984.2, NM_001374253.1, NM_001374254.1 and 1 more transcripts); short protein forms R408L.
Identifiers: ClinVar variation 2663985 (VCV002663985.1), dbSNP rs370522983, ClinGen allele CA351734171.